The following is an entry in ClinVar:

ClinVar aggregate classification (germline): Benign (1 of 4 stars; one submission).

Allele frequency attached by ClinVar (database versions not stated): 1000 Genomes Project 0.00220; 1000 Genomes Project 30x 0.00250; ESP Exome Variant Server 0.00354.
gnomAD v4.1: 1,109 of 1,613,962 alleles (0.069%); highest among the groups gnomAD compares: African/African-American, 1.2%; 13 homozygotes.

Submission:

CeGaT Center for Human Genetics Tuebingen
Classification: Benign. Last evaluated: 2026-03-01. Review status: criteria provided, single submitter. Criteria: CeGaT Center For Human Genetics Tuebingen Variant Classification Criteria Version 2. Collection method: clinical testing. Allele origin: germline. Affected: yes. Observed: 3 variant alleles.
Comment: DPP9: BP4, BP7, BS1, BS2

NM_139159.5(DPP9):c.579C>T (p.Asp193=)

Genes: DPP9 (dipeptidyl peptidase 9; minus strand), LOC126862841 (BRD4-independent group 4 enhancer GRCh37_chr19:4703720-4704919; plus strand). Cytogenetic location: 19p13.3.
Variant type: single nucleotide variant.
Coding change: c.579C>T on transcript NM_139159.5 (MANE Select); coding-DNA position 579, C replaced by T.
Protein change: p.Asp193=; no amino-acid change (aspartic acid 193 retained).
Molecular consequence: synonymous variant. On other transcripts: non-coding transcript variant (11).
Genome position (GRCh38, 1-based): chr19:4,704,152, G>A on the plus strand (C>T on the coding strand, the complement: DPP9 is on the minus strand). VCF-style: chr19-4704152-G-A. GRCh37 (hg19) VCF-style: chr19-4704164-G-A.
Other names: c.579C>T, p.Asp193= (NM_001365987.2, NM_001384611.1, NM_001384612.1 and 19 more transcripts); c.492C>T, p.Asp164= (NM_001384623.1, NM_001384624.1, NM_001384625.1 and 4 more transcripts).
Identifiers: ClinVar variation 3250611 (VCV003250611.18), dbSNP rs187492097.